The following is an entry in ClinVar:

ClinVar aggregate classification (germline): Benign/Likely benign. Review status: criteria provided, multiple submitters, no conflicts (2 of 4 stars). 6 submissions from 6 submitters: Benign (2); Likely benign (4). Last evaluated 2026-07-01.

Conditions:
Charcot-Marie-Tooth disease type 2. Also called: Charcot-Marie-Tooth type 2. Identifiers: Orphanet 64746, MedGen C0270914, MONDO:0018993.
Neuroblastoma (NB). Identifiers: Orphanet 635, MedGen C0027819, MeSH D009447, MONDO:0005072, HP:0003006.
Charcot-Marie-Tooth disease. Also called: Charcot-Marie-Tooth Neuropathy; Charcot-Marie-Tooth Hereditary Neuropathy. Identifiers: Orphanet 166, MedGen C0007959, MONDO:0015626.

Allele frequency attached by ClinVar (database versions not stated): gnomAD exomes 0.00029 and 0.00074; ExAC 0.00093; 1000 Genomes Project 0.00200; 1000 Genomes Project 30x 0.00219; gnomAD 0.00293 and 0.00317; TOPMed 0.00313; ESP Exome Variant Server 0.00400.
gnomAD v4.1: 883 of 1,614,162 alleles (0.055%); highest among the groups gnomAD compares: African/African-American, 1.1%; 5 homozygotes.

Submissions (6):

CeGaT Center for Human Genetics Tuebingen
Classification: Likely benign. Last evaluated: 2026-07-01. Review status: criteria provided, single submitter. Criteria: CeGaT Center For Human Genetics Tuebingen Variant Classification Criteria Version 2. Collection method: clinical testing. Allele origin: germline. Affected: yes. Observed: 3 variant alleles.
Comment: KIF1B: BS1

Labcorp Genetics (formerly Invitae), Labcorp
Classification: Benign for Charcot-Marie-Tooth disease type 2. Last evaluated: 2026-02-03. Review status: criteria provided, single submitter. Criteria: Invitae Variant Classification Sherloc (09022015). Collection method: clinical testing. Allele origin: germline.

Blueprint Genetics
Classification: Likely benign. Last evaluated: 2024-10-23. Review status: criteria provided, single submitter. Criteria: ACMG Guidelines, 2015. Collection method: clinical testing. Allele origin: germline.

Ambry Genetics
Classification: Benign. Last evaluated: 2020-02-04. Review status: criteria provided, single submitter. Criteria: Ambry Variant Classification Scheme 2023. Collection method: clinical testing. Allele origin: germline.

Illumina Laboratory Services, Illumina
Classification: Likely benign for Neuroblastoma. Last evaluated: 2017-04-28. Review status: criteria provided, single submitter. Criteria: ICSL Variant Classification Criteria 13 December 2019. Collection method: clinical testing. Allele origin: germline.
Comment: This variant was observed as part of a predisposition screen in an ostensibly healthy population. A literature search was performed for the gene, cDNA change, and amino acid change (where applicable). No publications were found based on this search. Allele frequency data from public databases allowed determination this variant is unlikely to cause disease. Therefore, this variant is classified as likely benign.

Molecular Genetics Laboratory, London Health Sciences Centre
Classification: Likely benign for Charcot-Marie-Tooth disease. Review status: criteria provided, single submitter. Criteria: ACMG Guidelines, 2015. Collection method: clinical testing. Allele origin: germline. Affected: yes.

NM_001365951.3(KIF1B):c.5020G>A (p.Glu1674Lys)

Gene: KIF1B (kinesin family member 1B; plus strand). Cytogenetic location: 1p36.22.
Variant type: single nucleotide variant.
Coding change: c.5020G>A on transcript NM_001365951.3 (MANE Select); coding-DNA position 5020, G replaced by A.
Protein change: p.Glu1674Lys; replaces glutamic acid 1674 with lysine.
Molecular consequence: missense variant.
Genome position (GRCh38, 1-based): chr1:10,374,389, G>A. VCF-style: chr1-10374389-G-A. GRCh37 (hg19) VCF-style: chr1-10434447-G-A.
Other names: c.5020G>A, p.Glu1674Lys (NM_001365952.1); c.4882G>A, p.Glu1628Lys (NM_015074.3); short protein forms E1628K, E1674K.
Identifiers: ClinVar variation 219797 (VCV000219797.34), dbSNP rs143669846, ClinGen allele CA349128.
Genomic context (GRCh38, chr1:10,374,389, plus strand): 5'-AATTCCCGGGCCTCTAGTCCCTGCCCAGAATTTGAACAGTTTCAGATTGTCCCAGCTGTG[G>A]AAACACCATATTTGGCCCGAGCAGGAAAAAACGAATTTCTCAATCTTGTTCCAGATATTG-3'
Protein context (NP_001352880.1, residues 1664-1684): FEQFQIVPAV[Glu1674Lys]TPYLARAGKN